The following is an entry in ClinVar:

ClinVar aggregate classification (germline): Likely benign (1 of 4 stars; one submission).

Conditions:
CTDP1-related disorder. Also called: CTDP1-related condition.

gnomAD v4.1: 61 of 1,605,290 alleles (0.0038%); highest among the groups gnomAD compares: African/African-American, 0.056%; no homozygotes.

Submission:

PreventionGenetics, part of Exact Sciences
Classification: Likely benign for CTDP1-related condition. Last evaluated: 2026-01-29. Review status: criteria provided, single submitter. Criteria: ACMG Guidelines, 2015. Collection method: clinical testing. Allele origin: germline.
Comment: This variant is classified as likely benign based on ACMG/AMP sequence variant interpretation guidelines (Richards et al. 2015 PMID: 25741868, with internal and published modifications).

NM_004715.5(CTDP1):c.1572G>A (p.Pro524=)

Gene: CTDP1 (CTD phosphatase 1; plus strand). Cytogenetic location: 18q23.
Variant type: single nucleotide variant.
Coding change: c.1572G>A on transcript NM_004715.5 (MANE Select); coding-DNA position 1572, G replaced by A.
Protein change: p.Pro524=; no amino-acid change (proline 524 retained).
Molecular consequence: synonymous variant.
Genome position (GRCh38, 1-based): chr18:79,715,032, G>A. VCF-style: chr18-79715032-G-A. GRCh37 (hg19) VCF-style: chr18-77475032-G-A.
Other names: c.1215G>A, p.Pro405= (NM_001202504.1); c.1572G>A, p.Pro524= (NM_001318511.2, NM_048368.4).
Identifiers: ClinVar variation 4986761 (VCV004986761.1).
Genomic context (GRCh38, chr18:79,715,032, plus strand): 5'-GCCGGGGCGGCCTGCAGCACCGAGTCTCCCCGGAGAGGCCGAGCCTGGCGCGCATGCCCC[G>A]GACAAGGAGCCTGAGCTGGGTGGGCAGGAGGAGGGCGAGCGGGATGGCCTCTGCGGCCTG-3'
Protein context (NP_004706.3, residues 514-534): PGEAEPGAHA[Pro524=]DKEPELGGQE